The following is an entry in ClinVar:

ClinVar aggregate classification (germline): Conflicting classifications of pathogenicity. Review status: criteria provided, conflicting classifications (1 of 4 stars). 12 submissions from 12 submitters: Uncertain significance (4); Likely benign (4). 4 of the submissions do not count toward it. Last evaluated 2026-09-02.

Conditions:
ACTN2-related disorder. Also called: ACTN2 related condition; ACTN2-related disorders.
Cardiovascular phenotype. Identifiers: MedGen CN230736.
Primary familial hypertrophic cardiomyopathy (HCM). Identifiers: Orphanet 99739, MedGen C0949658, MeSH D024741, MONDO:0024573. Inheritance: Various modes of inheritance.
Dilated cardiomyopathy 1AA (CMD1AA). Also called: CARDIOMYOPATHY, DILATED, 1AA, WITH OR WITHOUT LEFT VENTRICULAR NONCOMPACTION; CARDIOMYOPATHY, FAMILIAL HYPERTROPHIC, 23, WITH OR WITHOUT LEFT VENTRICULAR NONCOMPACTION; Cardiomyopathy, dilated, 1AA, with or without LVNC. Identifiers: Orphanet 154, MedGen C2677338, MONDO:0012808, OMIM 612158.
Cardiomyopathy (CMYO). Also called: Cardiomyopathies. Identifiers: Orphanet 167848, MedGen C0878544, MONDO:0004994, HP:0001638. Inheritance: Various modes of inheritance.

Allele frequency attached by ClinVar (database versions not stated): gnomAD 0.00001; ExAC 0.00002; TOPMed 0.00002; gnomAD exomes 0.00004 and 0.00009; ESP Exome Variant Server 0.00008.
gnomAD v4.1: 131 of 1,610,010 alleles (0.0081%); highest among the groups gnomAD compares: Non-Finnish European, 0.011%; no homozygotes.

Submissions (12):

PreventionGenetics, part of Exact Sciences
Classification: Likely benign for ACTN2-related condition. Last evaluated: 2026-09-02. Review status: criteria provided, single submitter. Criteria: ACMG Guidelines, 2015. Collection method: clinical testing. Allele origin: germline.
Comment: This variant is classified as likely benign based on ACMG/AMP sequence variant interpretation guidelines (Richards et al. 2015 PMID: 25741868, with internal and published modifications).

Labcorp Genetics (formerly Invitae), Labcorp
Classification: Uncertain significance for Primary familial hypertrophic cardiomyopathy; Dilated cardiomyopathy 1AA. Last evaluated: 2025-12-29. Review status: criteria provided, single submitter. Criteria: Invitae Variant Classification Sherloc (09022015). Collection method: clinical testing. Allele origin: germline.
Comment: This sequence change falls in intron 6 of the ACTN2 gene. It does not directly change the encoded amino acid sequence of the ACTN2 protein. It affects a nucleotide within the consensus splice site. This variant is present in population databases (rs111464645, gnomAD 0.008%). This variant has been observed in individual(s) with clinical features of hypertrophic cardiomyopathy (internal data). ClinVar contains an entry for this variant (Variation ID: 412278). Variants that disrupt the consensus splice site are a relatively common cause of aberrant splicing (PMID: 17576681, 9536098). Algorithms developed to predict the effect of sequence changes on RNA splicing suggest that this variant is not likely to affect RNA splicing. In summary, the available evidence is currently insufficient to determine the role of this variant in disease. Therefore, it has been classified as a Variant of Uncertain Significance.

Mayo Clinic Laboratories, Mayo Clinic
Classification: Likely benign. Last evaluated: 2025-10-08. Review status: criteria provided, single submitter. Criteria: ACMG Guidelines, 2015. Collection method: clinical testing. Allele origin: germline. Observed: 2 variant alleles.
Comment: BP4, BP7

Ambry Genetics
Classification: Uncertain significance for Cardiovascular phenotype. Last evaluated: 2025-04-18. Review status: criteria provided, single submitter. Criteria: Ambry Variant Classification Scheme 2023. Collection method: clinical testing. Allele origin: germline.
Comment: The c.616-3C>T intronic variant results from a C to T substitution 3 nucleotides upstream from coding exon 7 in the ACTN2 gene. This nucleotide position is not well conserved in available vertebrate species. In silico splice site analysis predicts that this alteration will not have any significant effect on splicing. Since supporting evidence is limited at this time, the clinical significance of this alteration remains unclear.

Revvity Omics, Revvity
Classification: Uncertain significance. Last evaluated: 2025-03-28. Review status: criteria provided, single submitter. Criteria: ACMG Guidelines, 2015. Collection method: clinical testing. Allele origin: germline.

CHEO Genetics Diagnostic Laboratory, Children's Hospital of Eastern Ontario
Classification: Uncertain significance for Cardiomyopathy. Last evaluated: 2019-12-19. Review status: criteria provided, single submitter. Criteria: ACMG Guidelines, 2015. Collection method: clinical testing. Allele origin: germline.

GeneDx
Classification: Likely benign. Last evaluated: 2019-07-01. Review status: criteria provided, single submitter. Criteria: GeneDx Variant Classification Process June 2021. Collection method: clinical testing. Allele origin: germline. Affected: yes.

Women's Health and Genetics/Laboratory Corporation of America, LabCorp
Classification: Likely benign. Last evaluated: 2018-01-22. Review status: criteria provided, single submitter. Criteria: LabCorp Variant Classification Summary - May 2015. Collection method: clinical testing. Allele origin: germline.
Comment: Variant summary: The ACTN2 c.616-3C>T variant involves the alteration of a non-conserved intronic nucleotide. One in silico tool predicts a damaging outcome for this variant. 4/5 splice prediction tools predict no significant impact on normal splicing. However, these predictions have yet to be confirmed by functional studies. This variant was found in 11/277060 control chromosomes, predominantly observed in the European (Non-Finnish) subpopulation at a frequency of 0.000079 (10/126592). This frequency is about 3 times the estimated maximal expected allele frequency of a pathogenic ACTN2 variant (0.000025), suggesting this is likely a benign polymorphism found primarily in the populations of European (Non-Finnish) origin. In addition, one other clinical diagnostic laboratory classified this variant as uncertain significance. The variant of interest has not, to our knowledge, been reported in affected individuals via publications; nor evaluated for functional impact by in vivo/vitro studies. Taken together, this variant is classified as likely benign until more evidence becomes available.

Clinical Genetics, Academic Medical Center
Classification: Benign. Review status: no assertion criteria provided. Collection method: clinical testing. Allele origin: germline. Affected: yes. Study: VKGL Data-share Consensus. Not counted in ClinVar's aggregate classification.

Diagnostic Laboratory, Department of Genetics, University Medical Center Groningen
Classification: Likely benign for Dilated cardiomyopathy 1AA. Review status: no assertion criteria provided. Collection method: clinical testing. Allele origin: germline. Affected: yes. Study: VKGL Data-share Consensus. Not counted in ClinVar's aggregate classification.

Genome Diagnostics Laboratory, University Medical Center Utrecht
Classification: Likely benign. Review status: no assertion criteria provided. Collection method: clinical testing. Allele origin: germline. Affected: yes. Study: VKGL Data-share Consensus. Not counted in ClinVar's aggregate classification.

Joint Genome Diagnostic Labs from Nijmegen and Maastricht, Radboudumc and MUMC+
Classification: Likely benign. Review status: no assertion criteria provided. Collection method: clinical testing. Allele origin: germline. Affected: yes. Study: VKGL Data-share Consensus. Not counted in ClinVar's aggregate classification.

Literature cited by the submitters: PubMed 17576681 (cited by Labcorp Genetics (formerly Invitae), Labcorp); PubMed 9536098 (cited by Labcorp Genetics (formerly Invitae), Labcorp).

NM_001103.4(ACTN2):c.616-3C>T

Gene: ACTN2 (actinin alpha 2; plus strand). Cytogenetic location: 1q43.
Variant type: single nucleotide variant.
Coding change: c.616-3C>T on transcript NM_001103.4 (MANE Select); 3 bases into the intron before coding-DNA position 616, C replaced by T.
Molecular consequence: intron variant.
Genome position (GRCh38, 1-based): chr1:236,731,230, C>T. VCF-style: chr1-236731230-C-T. GRCh37 (hg19) VCF-style: chr1-236894530-C-T.
Other names: p.?; c.-206-3C>T (NM_001278344.2); c.616-3C>T (NM_001278343.2).
Identifiers: ClinVar variation 412278 (VCV000412278.26), dbSNP rs111464645, ClinGen allele CA1472869.
Genomic context (GRCh38, chr1:236,731,230, plus strand): 5'-ATTCTTCATAAGTCTTGTTTCAAAATATATTTTAAAAATCTGACTGTCTTGGTTTTCATA[C>T]AGGATGACCCCATAGGAAATATTAACCTGGCCATGGAAATCGCTGAGAAGCACCTGGATA-3'